The following is an entry in ClinVar:

ClinVar aggregate classification (germline): Pathogenic (1 of 4 stars; one submission).

Conditions:
Familial hypocalciuric hypercalcemia (FHH). Also called: Familial benign hypercalcemia. Identifiers: Orphanet 405, MedGen C1809471, MONDO:0018458.
Autosomal dominant hypocalcemia 1 (HYPOC1). Also called: HYPOCALCEMIA, FAMILIAL. Identifiers: MedGen C3715128, MONDO:0011013, OMIM 601198.

Submission:

Labcorp Genetics (formerly Invitae), Labcorp
Classification: Pathogenic for Familial hypocalciuric hypercalcemia; Autosomal dominant hypocalcemia 1. Last evaluated: 2025-11-10. Review status: criteria provided, single submitter. Criteria: Invitae Variant Classification Sherloc (09022015). Collection method: clinical testing. Allele origin: germline.
Comment: This sequence change creates a premature translational stop signal (p.Arg752Alafs*25) in the CASR gene. While this is not anticipated to result in nonsense mediated decay, it is expected to disrupt the last 327 amino acid(s) of the CASR protein. This variant is not present in population databases (gnomAD no frequency). This variant has not been reported in the literature in individuals affected with CASR-related conditions. ClinVar contains an entry for this variant (Variation ID: 1068041). This variant disrupts a region of the CASR protein in which other variant(s) (p.Lys882fs) have been determined to be pathogenic (PMID: 7717399, 9109436, 9217223, 20374733). This suggests that this is a clinically significant region of the protein, and that variants that disrupt it are likely to be disease-causing. For these reasons, this variant has been classified as Pathogenic.

Literature cited by the submitters: PubMed 7717399; PubMed 9109436; PubMed 9217223; PubMed 20374733.

NM_000388.4(CASR):c.2254del (p.Arg752fs)

Gene: CASR (calcium sensing receptor; plus strand). Cytogenetic location: 3q21.1.
Variant type: Deletion.
Coding change: c.2254del on transcript NM_000388.4 (MANE Select); coding-DNA position 2254, one base deleted (C; older notation c.2254delC).
Protein change: p.Arg752fs; shifts the reading frame from arginine 752.
Molecular consequence: frameshift variant.
Genome position (GRCh38, 1-based): chr3:122,284,208, C deleted; the last of 2 consecutive C bases (chr3:122,284,207-122,284,208); deleting either gives the same sequence. VCF-style (leftmost placement, unchanged base first): chr3-122284206-AC-A. GRCh37 (hg19) VCF-style: chr3-122003053-AC-A.
Other names: c.2284del, p.Arg762fs (NM_001178065.2); short protein forms R752fs, R762fs.
Identifiers: ClinVar variation 1068041 (VCV001068041.9), dbSNP rs2107650195, ClinGen allele CA2499216412.